The following is an entry in ClinVar:

NM_000548.5(TSC2):c.5339C>G (p.Thr1780Ser)

Gene: TSC2 (TSC complex subunit 2; plus strand). Cytogenetic location: 16p13.3.
Variant type: single nucleotide variant.
Coding change: c.5339C>G on transcript NM_000548.5 (MANE Select); coding-DNA position 5339, C replaced by G.
Protein change: p.Thr1780Ser; replaces threonine 1780 with serine.
Molecular consequence: missense variant. On other transcripts: non-coding transcript variant (5).
Genome position (GRCh38, 1-based): chr16:2,088,525, C>G. VCF-style: chr16-2088525-C-G. GRCh37 (hg19) VCF-style: chr16-2138526-C-G.
Other names: c.5261C>G, p.Thr1754Ser (NM_001406665.1); c.5231C>G, p.Thr1744Ser (NM_001406667.1); c.5228C>G, p.Thr1743Ser (NM_001406668.1); c.5159C>G, p.Thr1720Ser (NM_001406670.1); c.5129C>G, p.Thr1710Ser (NM_001406671.1); c.5126C>G, p.Thr1709Ser (NM_001406673.1); c.5123C>G, p.Thr1708Ser (NM_001406675.1); c.5198C>G, p.Thr1733Ser (NM_001370405.1); and 27 more; short protein forms T1179S, T1265S, T1266S, T1288S, T1289S, T1309S, T1513S, T1514S.
Identifiers: ClinVar variation 4802893 (VCV004802893.1).

ClinVar aggregate classification (germline): Uncertain significance (1 of 4 stars; one submission).

Conditions:
Tuberous sclerosis 2 (TSC2). Identifiers: Orphanet 805, MedGen C1860707, MONDO:0013199, OMIM 613254.

Submission:

Labcorp Genetics (formerly Invitae), Labcorp
Classification: Uncertain significance for Tuberous sclerosis 2. Last evaluated: 2025-10-21. Review status: criteria provided, single submitter. Criteria: Invitae Variant Classification Sherloc (09022015). Collection method: clinical testing. Allele origin: germline.
Comment: This sequence change replaces threonine, which is neutral and polar, with serine, which is neutral and polar, at codon 1780 of the TSC2 protein (p.Thr1780Ser). This variant is not present in population databases (gnomAD no frequency). This variant has not been reported in the literature in individuals affected with TSC2-related conditions. Invitae Evidence Modeling of protein sequence and biophysical properties (such as structural, functional, and spatial information, amino acid conservation, physicochemical variation, residue mobility, and thermodynamic stability) indicates that this missense variant is not expected to disrupt TSC2 protein function with a negative predictive value of 95%. In summary, the available evidence is currently insufficient to determine the role of this variant in disease. Therefore, it has been classified as a Variant of Uncertain Significance.